The following is an entry in ClinVar:

ClinVar aggregate classification (germline): Uncertain significance (1 of 4 stars; one submission).

Conditions:
Progressive familial heart block type IB (PFHB1B). Identifiers: Orphanet 871, MedGen C1970298, MONDO:0011474, OMIM 604559.

Submission:

Labcorp Genetics (formerly Invitae), Labcorp
Classification: Uncertain significance for Progressive familial heart block type IB. Last evaluated: 2023-02-02. Review status: criteria provided, single submitter. Criteria: Invitae Variant Classification Sherloc (09022015). Collection method: clinical testing. Allele origin: germline.
Comment: This sequence change replaces glycine, which is neutral and non-polar, with arginine, which is basic and polar, at codon 192 of the TRPM4 protein (p.Gly192Arg). This variant is not present in population databases (gnomAD no frequency). This variant has not been reported in the literature in individuals affected with TRPM4-related conditions. ClinVar contains an entry for this variant (Variation ID: 1445257). Algorithms developed to predict the effect of missense changes on protein structure and function are either unavailable or do not agree on the potential impact of this missense change (SIFT: "Deleterious"; PolyPhen-2: "Possibly Damaging"; Align-GVGD: "Class C15"). In summary, the available evidence is currently insufficient to determine the role of this variant in disease. Therefore, it has been classified as a Variant of Uncertain Significance.

NM_017636.4(TRPM4):c.574G>C (p.Gly192Arg)

Gene: TRPM4 (transient receptor potential cation channel subfamily M member 4; plus strand). Cytogenetic location: 19q13.33.
Variant type: single nucleotide variant.
Coding change: c.574G>C on transcript NM_017636.4 (MANE Select); coding-DNA position 574, G replaced by C.
Protein change: p.Gly192Arg; replaces glycine 192 with arginine.
Molecular consequence: missense variant. On other transcripts: 5 prime UTR variant (1), intron variant (2).
Genome position (GRCh38, 1-based): chr19:49,168,385, G>C. VCF-style: chr19-49168385-G-C. GRCh37 (hg19) VCF-style: chr19-49671642-G-C.
Other names: c.574G>C, p.Gly192Arg (NM_001195227.2); c.-980G>C (NM_001321282.2); c.52G>C, p.Gly18Arg (NM_001321283.2); c.268-168G>C (NM_001321281.2); c.-237-168G>C (NM_001321285.2); short protein forms G192R, G18R.
Identifiers: ClinVar variation 1445257 (VCV001445257.6), dbSNP rs1967314617, ClinGen allele CA406791670.